The following is an entry in ClinVar:

ClinVar aggregate classification (germline): Benign (1 of 4 stars; one submission).

Conditions:
Colorectal cancer, susceptibility to, 1. Also called: COLORECTAL ADENOMA AND CANCER, SUSCEPTIBILITY TO; COLORECTAL CANCER, SUSCEPTIBILITY TO, ON CHROMOSOME 9. Identifiers: MedGen C1837315, MONDO:0012132, OMIM 608812.

Submission:

Myriad Genetics, Inc.
Classification: Benign for Colorectal cancer, susceptibility to, 1. Last evaluated: 2026-04-22. Review status: criteria provided, single submitter. Criteria: Myriad Autosomal Dominant, Autosomal Recessive and X-Linked Classification Criteria (2023). Collection method: clinical testing. Allele origin: unknown.
Comment: This variant is considered benign. This variant is a silent/synonymous amino acid change and it is not expected to impact splicing.

NM_024642.5(GALNT12):c.36G>C (p.Arg12=)

Gene: GALNT12 (polypeptide N-acetylgalactosaminyltransferase 12; plus strand). Cytogenetic location: 9q22.33.
Variant type: single nucleotide variant.
Coding change: c.36G>C on transcript NM_024642.5 (MANE Select); coding-DNA position 36, G replaced by C.
Protein change: p.Arg12=; no amino-acid change (arginine 12 retained).
Molecular consequence: synonymous variant.
Genome position (GRCh38, 1-based): chr9:98,807,734, G>C. VCF-style: chr9-98807734-G-C. GRCh37 (hg19) VCF-style: chr9-101570016-G-C.
Identifiers: ClinVar variation 4875699 (VCV004875699.1).
Genomic context (GRCh38, chr9:98,807,734, plus strand): 5'-ATCGCTGGCTGCAGTTGGCGGGCGCATGTGGGGGCGCACGGCGCGGCGGCGCTGCCCGCG[G>C]GAACTGCGGCGCGGCCGGGAGGCGCTGTTGGTGCTCCTGGCGCTACTGGCGTTGGCCGGG-3'
Protein context (NP_078918.3, residues 2-22): WGRTARRRCP[Arg12=]ELRRGREALL